The following is an entry in ClinVar:

ClinVar aggregate classification (germline): Benign/Likely benign. Review status: criteria provided, multiple submitters, no conflicts (2 of 4 stars). 4 submissions from 4 submitters: Benign (1); Likely benign (3). Last evaluated 2025-03-04.

Conditions:
Hereditary nonpolyposis colorectal neoplasms. Identifiers: MedGen C0009405, MeSH D003123.
Hereditary cancer-predisposing syndrome. Also called: Neoplastic Syndromes, Hereditary; Hereditary neoplastic syndrome; Hereditary Cancer Syndrome; Tumor predisposition. Identifiers: Orphanet 140162, MedGen C0027672, MeSH D009386, MONDO:0015356.
Lynch syndrome 4 (LYNCH4). Also called: Hereditary non-polyposis colorectal cancer, type 4; Colorectal cancer, hereditary nonpolyposis, type 4. Identifiers: Orphanet 144, MedGen C1838333, MONDO:0013699, OMIM 614337. Disease mechanism: loss of function.

Submissions (4):

Center for Genomic Medicine, Rigshospitalet, Copenhagen University Hospital
Classification: Likely benign. Last evaluated: 2025-03-04. Review status: criteria provided, single submitter. Criteria: ACMG Guidelines, 2015. Collection method: clinical testing. Allele origin: germline.

Myriad Genetics, Inc.
Classification: Benign for Lynch syndrome 4. Last evaluated: 2025-01-27. Review status: criteria provided, single submitter. Criteria: Myriad Autosomal Dominant, Autosomal Recessive and X-Linked Classification Criteria (2023). Collection method: clinical testing. Allele origin: unknown.
Comment: This variant is considered benign. This variant is a silent/synonymous amino acid change and it is not expected to impact splicing.

Labcorp Genetics (formerly Invitae), Labcorp
Classification: Likely benign for Hereditary nonpolyposis colorectal neoplasms. Last evaluated: 2023-12-05. Review status: criteria provided, single submitter. Criteria: Invitae Variant Classification Sherloc (09022015). Collection method: clinical testing. Allele origin: germline.

Ambry Genetics
Classification: Likely benign for Hereditary cancer-predisposing syndrome. Last evaluated: 2022-08-15. Review status: criteria provided, single submitter. Criteria: Ambry Variant Classification Scheme 2023. Collection method: clinical testing. Allele origin: germline.

NM_000535.7(PMS2):c.690G>C (p.Val230=)

Gene: PMS2 (PMS1 homolog 2, mismatch repair system component; minus strand). Cytogenetic location: 7p22.1.
Variant type: single nucleotide variant.
Coding change: c.690G>C on transcript NM_000535.7 (MANE Select); coding-DNA position 690, G replaced by C.
Protein change: p.Val230=; no amino-acid change (valine 230 retained).
Molecular consequence: synonymous variant. On other transcripts: 5 prime UTR variant (2), non-coding transcript variant (1), intron variant (1).
Genome position (GRCh38, 1-based): chr7:5,999,123, C>G on the plus strand (G>C on the coding strand, the complement: PMS2 is on the minus strand). VCF-style: chr7-5999123-C-G. GRCh37 (hg19) VCF-style: chr7-6038754-C-G.
Other names: c.285G>C, p.Val95= (NM_001322003.2, NM_001322004.2, NM_001322005.2 and 2 more transcripts); c.690G>C, p.Val230= (NM_001322006.2, NM_001322014.2); c.372G>C, p.Val124= (NM_001322007.2, NM_001322008.2); c.-244G>C (NM_001322011.2, NM_001322012.2); c.381G>C, p.Val127= (NM_001322015.2); c.133-1700G>C (NM_001322013.2).
Identifiers: ClinVar variation 1625514 (VCV001625514.15), dbSNP rs749871098, ClinGen allele CA453646771.